The following is an entry in ClinVar:

ClinVar aggregate classification (germline): Likely benign (1 of 4 stars; one submission).

Allele frequency attached by ClinVar (database versions not stated): gnomAD exomes below 0.00001.
gnomAD v4.1: 1 of 341,756 alleles (0.00029%); highest among the groups gnomAD compares: Admixed American, 0.0067%; no homozygotes.

Submission:

CeGaT Center for Human Genetics Tuebingen
Classification: Likely benign. Last evaluated: 2023-03-01. Review status: criteria provided, single submitter. Criteria: CeGaT Center For Human Genetics Tuebingen Variant Classification Criteria Version 2. Collection method: clinical testing. Allele origin: germline. Affected: yes. Observed: 1 variant allele.
Comment: HYDIN: PM2:Supporting, BP4, BP7

NM_001270974.2(HYDIN):c.3093G>A (p.Gly1031=)

Gene: HYDIN (HYDIN axonemal central pair apparatus protein; minus strand). Cytogenetic location: 16q22.2.
Variant type: single nucleotide variant.
Coding change: c.3093G>A on transcript NM_001270974.2 (MANE Select); coding-DNA position 3093, G replaced by A.
Protein change: p.Gly1031=; no amino-acid change (glycine 1031 retained).
Molecular consequence: synonymous variant.
Genome position (GRCh38, 1-based): chr16:71,025,476, C>T on the plus strand (G>A on the coding strand, the complement: HYDIN is on the minus strand). VCF-style: chr16-71025476-C-T. GRCh37 (hg19) VCF-style: chr16-71059379-C-T.
Identifiers: ClinVar variation 2646782 (VCV002646782.24), dbSNP rs2507264628, ClinGen allele CA496254968.